The following is an entry in ClinVar:

NM_205861.3(DHDDS):c.271G>C (p.Asp91His)

Gene: DHDDS (dehydrodolichyl diphosphate synthase subunit; plus strand). Cytogenetic location: 1p36.11.
Variant type: single nucleotide variant.
Coding change: c.271G>C on transcript NM_205861.3 (MANE Select); coding-DNA position 271, G replaced by C.
Protein change: p.Asp91His; replaces aspartic acid 91 with histidine.
Molecular consequence: missense variant. On other transcripts: 5 prime UTR variant (1).
Genome position (GRCh38, 1-based): chr1:26,442,821, G>C. VCF-style: chr1-26442821-G-C. GRCh37 (hg19) VCF-style: chr1-26769312-G-C.
Other names: c.271G>C, p.Asp91His (NM_001243564.2, NM_001243565.2, NM_024887.4); c.-9G>C (NM_001319959.2); short protein forms D91H.
Identifiers: ClinVar variation 580863 (VCV000580863.10), dbSNP rs773154382, ClinGen allele CA705281.

ClinVar aggregate classification (germline): Uncertain significance. Review status: criteria provided, single submitter (1 of 4 stars). 2 submissions from 2 submitters: Uncertain significance (1). 1 of the submissions does not count toward it. Last evaluated 2024-02-24.

Conditions:
Retinitis pigmentosa 59 (RP59). Identifiers: Orphanet 791, MedGen C3151227, MONDO:0013468, OMIM 613861.

Allele frequency attached by ClinVar (database versions not stated): gnomAD exomes 0.00001; ExAC 0.00002; gnomAD 0.00003.
gnomAD v4.1: 7 of 1,614,054 alleles (0.00043%); highest among the groups gnomAD compares: Admixed American, 0.01%; no homozygotes.

Submissions (2):

Labcorp Genetics (formerly Invitae), Labcorp
Classification: Uncertain significance for Retinitis pigmentosa 59. Last evaluated: 2024-02-24. Review status: criteria provided, single submitter. Criteria: Invitae Variant Classification Sherloc (09022015). Collection method: clinical testing. Allele origin: germline.
Comment: This sequence change replaces aspartic acid, which is acidic and polar, with histidine, which is basic and polar, at codon 91 of the DHDDS protein (p.Asp91His). This variant is present in population databases (rs773154382, gnomAD 0.006%). This variant has not been reported in the literature in individuals affected with DHDDS-related conditions. ClinVar contains an entry for this variant (Variation ID: 580863). Advanced modeling of protein sequence and biophysical properties (such as structural, functional, and spatial information, amino acid conservation, physicochemical variation, residue mobility, and thermodynamic stability) performed at Invitae indicates that this missense variant is not expected to disrupt DHDDS protein function with a negative predictive value of 80%. In summary, the available evidence is currently insufficient to determine the role of this variant in disease. Therefore, it has been classified as a Variant of Uncertain Significance.

Natera, Inc.
Classification: Uncertain significance for Retinitis pigmentosa type 59. Last evaluated: 2019-10-28. Review status: no assertion criteria provided. Collection method: clinical testing. Allele origin: germline. Not counted in ClinVar's aggregate classification.